The following is an entry in ClinVar:

NM_199242.3(UNC13D):c.865_877dup (p.Arg293fs)

Gene: UNC13D (unc-13 homolog D; minus strand). Cytogenetic location: 17q25.1.
Variant type: Duplication.
Coding change: c.865_877dup on transcript NM_199242.3 (MANE Select); coding-DNA positions 865 to 877, 13 bases duplicated (ACTTCGGCCAGCC).
Protein change: p.Arg293fs; shifts the reading frame from arginine 293.
Molecular consequence: frameshift variant.
Genome position (GRCh38, 1-based): chr17:75,840,092-75,840,104, GGCTGGCCGAAGT duplicated on the plus strand (ACTTCGGCCAGCC on the coding strand, the reverse complement: UNC13D is on the minus strand); duplicating any 13 consecutive bases within chr17:75,840,092-75,840,108 gives the same sequence; the c. name uses the placement nearest the transcript's 3' end. VCF-style (leftmost placement, unchanged base first): chr17-75840091-C-CGGCTGGCCGAAGT. GRCh37 (hg19) VCF-style: chr17-73836172-C-CGGCTGGCCGAAGT.
Other names: short protein forms R293fs.
Identifiers: ClinVar variation 848121 (VCV000848121.7), dbSNP rs2064936948, ClinGen allele CA916081206.

ClinVar aggregate classification (germline): Pathogenic (1 of 4 stars; one submission).

Conditions:
Familial hemophagocytic lymphohistiocytosis 3 (FHL3). Also called: UNC13D-Related Familial Hemophagocytic Lymphohistiocytosis (UNC13D-fHLH). Identifiers: Orphanet 540, MedGen C1837174, MONDO:0012146, OMIM 608898.

Submission:

Labcorp Genetics (formerly Invitae), Labcorp
Classification: Pathogenic for Familial hemophagocytic lymphohistiocytosis 3. Last evaluated: 2022-05-27. Review status: criteria provided, single submitter. Criteria: Invitae Variant Classification Sherloc (09022015). Collection method: clinical testing. Allele origin: germline.
Comment: This variant has not been reported in the literature in individuals affected with UNC13D-related conditions. This sequence change creates a premature translational stop signal (p.Arg293Hisfs*172) in the UNC13D gene. It is expected to result in an absent or disrupted protein product. Loss-of-function variants in UNC13D are known to be pathogenic (PMID: 14622600). This variant is not present in population databases (gnomAD no frequency). ClinVar contains an entry for this variant (Variation ID: 848121). For these reasons, this variant has been classified as Pathogenic.

Literature cited by the submitters: PubMed 14622600.